The following is an entry in ClinVar:

ClinVar aggregate classification (germline): Uncertain significance (1 of 4 stars; one submission).

gnomAD v4.1: 39 of 1,613,844 alleles (0.0024%); highest among the groups gnomAD compares: Non-Finnish European, 0.003%; no homozygotes.

Submission:

GeneDx
Classification: Uncertain significance. Last evaluated: 2024-03-18. Review status: criteria provided, single submitter. Criteria: GeneDx Variant Classification Process June 2021. Collection method: clinical testing. Allele origin: germline. Affected: yes.
Comment: Not observed at significant frequency in large population cohorts (gnomAD); In silico analysis supports that this missense variant does not alter protein structure/function; Has not been previously published as pathogenic or benign to our knowledge

NM_004560.4(ROR2):c.1415C>T (p.Ala472Val)

Gene: ROR2 (receptor tyrosine kinase like orphan receptor 2; minus strand). Cytogenetic location: 9q22.31.
Variant type: single nucleotide variant.
Coding change: c.1415C>T on transcript NM_004560.4 (MANE Select); coding-DNA position 1415, C replaced by T.
Protein change: p.Ala472Val; replaces alanine 472 with valine.
Molecular consequence: missense variant.
Genome position (GRCh38, 1-based): chr9:91,725,079, G>A on the plus strand (C>T on the coding strand, the complement: ROR2 is on the minus strand). VCF-style: chr9-91725079-G-A. GRCh37 (hg19) VCF-style: chr9-94487361-G-A.
Other names: short protein forms A472V.
Identifiers: ClinVar variation 3370602 (VCV003370602.1).
Genomic context (GRCh38, chr9:91,725,079, plus strand): 5'-AGGTGACCTTTGTAGACTTTCCCAAACCGGTCCTCTCCCAGCTCCTCCATGAACCTCACC[G>A]CAGACAGGCTGATCTCTTTGAGTTTGGCCTGTCAAGAAGAAAAGCCCCACGTGAAACATC-3'
Protein context (NP_004551.2, residues 462-482): QAKLKEISLS[Ala472Val]VRFMEELGED